The following is an entry in ClinVar:

ClinVar aggregate classification (germline): Uncertain significance (1 of 4 stars; one submission).

gnomAD v4.1: 4 of 1,613,900 alleles (0.00025%); highest among the groups gnomAD compares: Admixed American, 0.0017%; no homozygotes.

Submission:

Labcorp Genetics (formerly Invitae), Labcorp
Classification: Uncertain significance. Last evaluated: 2022-02-04. Review status: criteria provided, single submitter. Criteria: Invitae Variant Classification Sherloc (09022015). Collection method: clinical testing. Allele origin: germline.
Comment: This sequence change replaces proline, which is neutral and non-polar, with threonine, which is neutral and polar, at codon 2739 of the VCAN protein (p.Pro2739Thr). This variant is not present in population databases (gnomAD no frequency). This variant has not been reported in the literature in individuals affected with VCAN-related conditions. Algorithms developed to predict the effect of missense changes on protein structure and function (SIFT, PolyPhen-2, Align-GVGD) all suggest that this variant is likely to be tolerated. In summary, the available evidence is currently insufficient to determine the role of this variant in disease. Therefore, it has been classified as a Variant of Uncertain Significance.

NM_004385.5(VCAN):c.8215C>A (p.Pro2739Thr)

Genes: VCAN (versican; plus strand), VCAN-AS1 (VCAN antisense RNA 1; minus strand). Cytogenetic location: 5q14.3.
Variant type: single nucleotide variant.
Coding change: c.8215C>A on transcript NM_004385.5 (MANE Select); coding-DNA position 8215, C replaced by A.
Protein change: p.Pro2739Thr; replaces proline 2739 with threonine.
Molecular consequence: missense variant. On other transcripts: intron variant (2).
Genome position (GRCh38, 1-based): chr5:83,541,218, C>A. VCF-style: chr5-83541218-C-A. GRCh37 (hg19) VCF-style: chr5-82837037-C-A.
Other names: c.5254C>A, p.Pro1752Thr (NM_001164097.2); c.4004-4319C>A (NM_001164098.2); c.1043-4319C>A (NM_001126336.3); short protein forms P1752T, P2739T.
Identifiers: ClinVar variation 2093100 (VCV002093100.4), dbSNP rs763199231, ClinGen allele CA360316426.